The following is an entry in ClinVar:

NM_000536.4(RAG2):c.1127C>G (p.Thr376Ser)

Gene: RAG2 (recombination activating 2; minus strand). Cytogenetic location: 11p12.
Variant type: single nucleotide variant.
Coding change: c.1127C>G on transcript NM_000536.4 (MANE Select); coding-DNA position 1127, C replaced by G.
Protein change: p.Thr376Ser; replaces threonine 376 with serine.
Molecular consequence: missense variant.
Genome position (GRCh38, 1-based): chr11:36,593,042, G>C on the plus strand (C>G on the coding strand, the complement: RAG2 is on the minus strand). VCF-style: chr11-36593042-G-C. GRCh37 (hg19) VCF-style: chr11-36614592-G-C.
Other names: c.1127C>G, p.Thr376Ser (NM_001243785.2, NM_001243786.2); short protein forms T376S.
Identifiers: ClinVar variation 1175123 (VCV001175123.6), dbSNP rs192958391, ClinGen allele CA5950469.

ClinVar aggregate classification (germline): Uncertain significance. Review status: criteria provided, single submitter (1 of 4 stars). 3 submissions from 3 submitters: Uncertain significance (1). 2 of the submissions do not count toward it. Last evaluated 2021-08-28.

Conditions:
Severe combined immunodeficiency, autosomal recessive, T cell-negative, B cell-negative, NK cell-positive. Also called: SCID, AR, T-cell negative, B-cell negative, NK cell-positive; SCID, T CELL-NEGATIVE, B CELL-NEGATIVE, NK CELL-POSITIVE; Severe combined immunodeficiency due to complete RAG1/2 deficiency. Identifiers: Orphanet 331206, MedGen C1832322, MONDO:0011086, OMIM 601457.
Combined immunodeficiency with skin granulomas. Identifiers: Orphanet 157949, MedGen C2673536, MONDO:0009306, OMIM 233650.

Allele frequency attached by ClinVar (database versions not stated): gnomAD exomes 0.00001; TOPMed 0.00001.
gnomAD v4.1: 13 of 1,614,172 alleles (0.00081%); highest among the groups gnomAD compares: Non-Finnish European, 0.0011%; no homozygotes.

Submissions (3):

Labcorp Genetics (formerly Invitae), Labcorp
Classification: Uncertain significance for Combined immunodeficiency with skin granulomas; Severe combined immunodeficiency, autosomal recessive, T cell-negative, B cell-negative, NK cell-positive. Last evaluated: 2021-08-28. Review status: criteria provided, single submitter. Criteria: Invitae Variant Classification Sherloc (09022015). Collection method: clinical testing. Allele origin: germline.
Comment: This sequence change replaces threonine with serine at codon 376 of the RAG2 protein (p.Thr376Ser). The threonine residue is highly conserved and there is a small physicochemical difference between threonine and serine. This variant is present in population databases (rs192958391, ExAC 0.001%). This variant has not been reported in the literature in individuals affected with RAG2-related conditions. Algorithms developed to predict the effect of missense changes on protein structure and function are either unavailable or do not agree on the potential impact of this missense change (SIFT: "Tolerated"; PolyPhen-2: "Probably Damaging"; Align-GVGD: "Class C0"). In summary, the available evidence is currently insufficient to determine the role of this variant in disease. Therefore, it has been classified as a Variant of Uncertain Significance.

Clinical Genetics DNA and cytogenetics Diagnostics Lab, Erasmus MC, Erasmus Medical Center
Classification: Uncertain significance. Review status: no assertion criteria provided. Collection method: clinical testing. Allele origin: germline. Affected: yes. Study: VKGL Data-share Consensus. Not counted in ClinVar's aggregate classification.

Diagnostic Laboratory, Department of Genetics, University Medical Center Groningen
Classification: Uncertain significance. Review status: no assertion criteria provided. Collection method: clinical testing. Allele origin: germline. Affected: yes. Study: VKGL Data-share Consensus. Not counted in ClinVar's aggregate classification.